The following is an entry in ClinVar:

NM_005051.3(QARS1):c.790-2_806dup

Gene: QARS1 (glutaminyl-tRNA synthetase 1; minus strand). Cytogenetic location: 3p21.31.
Variant type: Duplication.
Coding change: c.790-2_806dup on transcript NM_005051.3 (MANE Select); the canonical splice acceptor site of the intron before coding-DNA position 790 through coding-DNA position 806, 19 bases duplicated (AGGTACGTACCCGGTTCCC).
Molecular consequence: splice acceptor variant.
Genome position (GRCh38, 1-based): chr3:49,101,425-49,101,443, GGGAACCGGGTACGTACCT duplicated on the plus strand (AGGTACGTACCCGGTTCCC on the coding strand, the reverse complement: QARS1 is on the minus strand). VCF-style (leftmost placement, unchanged base first): chr3-49101424-C-CGGGAACCGGGTACGTACCT. GRCh37 (hg19) VCF-style: chr3-49138857-C-CGGGAACCGGGTACGTACCT.
Other names: c.757-2_773dup (NM_001272073.2).
Identifiers: ClinVar variation 544145 (VCV000544145.6), dbSNP rs1553752165, ClinGen allele CA658796314.
Genomic context (GRCh38, chr3:49,101,424, plus strand): 5'-GCCAAAGTTGAAATTGATGGCTTTGGCATGTCCAATATGCAGGATTCCATTGGGTTCTGG[C>CGGGAACCGGGTACGTACCT]GGGAACCGGGTACGTACCTAAAATAAGGGGGATGGGAAAAGAGAAATAAAGTCTGAGCTC-3'

ClinVar aggregate classification (germline): Uncertain significance (1 of 4 stars; one submission).

Conditions:
Diffuse cerebral and cerebellar atrophy - intractable seizures - progressive microcephaly syndrome. Also called: Microcephaly, progressive, with seizures and cerebral and cerebellar atrophy. Identifiers: Orphanet 404437, MedGen C4014239, MONDO:0014335, OMIM 615760.

Submission:

Labcorp Genetics (formerly Invitae), Labcorp
Classification: Uncertain significance for Diffuse cerebral and cerebellar atrophy - intractable seizures - progressive microcephaly syndrome. Last evaluated: 2024-12-03. Review status: criteria provided, single submitter. Criteria: Invitae Variant Classification Sherloc (09022015). Collection method: clinical testing. Allele origin: germline.
Comment: This sequence change falls in intron 9 of the QARS gene. It does not directly change the encoded amino acid sequence of the QARS protein. It affects a nucleotide within the consensus splice site. This variant is not present in population databases (gnomAD no frequency). This variant has not been reported in the literature in individuals affected with QARS-related conditions. ClinVar contains an entry for this variant (Variation ID: 544145). Variants that disrupt the consensus splice site are a relatively common cause of aberrant splicing (PMID: 17576681, 9536098). Experimental studies and prediction algorithms are not available or were not evaluated, and the effect of this variant on mRNA splicing is currently unknown. In summary, the available evidence is currently insufficient to determine the role of this variant in disease. Therefore, it has been classified as a Variant of Uncertain Significance.

Literature cited by the submitters: PubMed 17576681; PubMed 9536098.